The following is an entry in ClinVar:

NM_000352.6(ABCC8):c.2291+8G>A

Gene: ABCC8 (ATP binding cassette subfamily C member 8; minus strand). Cytogenetic location: 11p15.1.
Variant type: single nucleotide variant.
Coding change: c.2291+8G>A on transcript NM_000352.6 (MANE Select); 8 bases into the intron after coding-DNA position 2291, G replaced by A.
Molecular consequence: intron variant.
Genome position (GRCh38, 1-based): chr11:17,415,296, C>T on the plus strand (G>A on the coding strand, the complement: ABCC8 is on the minus strand). VCF-style: chr11-17415296-C-T. GRCh37 (hg19) VCF-style: chr11-17436843-C-T.
Other names: c.2288+8G>A (NM_001351297.2); c.2291+8G>A (NM_001351296.2); c.2357+8G>A (NM_001351295.2); c.2294+8G>A (NM_001287174.3).
Identifiers: ClinVar variation 777066 (VCV000777066.12), dbSNP rs748169568, ClinGen allele CA5903217.

ClinVar aggregate classification (germline): Conflicting classifications of pathogenicity. Review status: criteria provided, conflicting classifications (1 of 4 stars). 4 submissions from 3 submitters: Uncertain significance (2); Likely benign (2). Last evaluated 2025-12-30.

Conditions:
Transitory neonatal diabetes mellitus. Also called: Transient neonatal diabetes mellitus. Identifiers: MedGen C0342273, MONDO:0020525, HP:0008255.
Maturity-onset diabetes of the young (MODY). Also called: Maturity onset diabetes mellitus in young. Identifiers: Orphanet 552, MedGen C0342276, MONDO:0018911, HP:0004904.

Allele frequency attached by ClinVar (database versions not stated): gnomAD exomes 0.00001 and 0.00002; TOPMed 0.00002; ExAC 0.00001; gnomAD 0.00001.

Submissions (4):

Women's Health and Genetics/Laboratory Corporation of America, LabCorp
Classification: Likely benign. Last evaluated: 2025-12-30. Review status: criteria provided, single submitter. Criteria: LabCorp Variant Classification Summary - May 2015. Collection method: clinical testing. Allele origin: germline.

Labcorp Genetics (formerly Invitae), Labcorp
Classification: Likely benign. Last evaluated: 2024-03-13. Review status: criteria provided, single submitter. Criteria: Invitae Variant Classification Sherloc (09022015). Collection method: clinical testing. Allele origin: germline.

Clinical Genomics, Uppaluri K&H Personalized Medicine Clinic
Classification: Uncertain significance for Transitory neonatal diabetes mellitus. Review status: criteria provided, single submitter. Criteria: K & H Uppaluri Personalized Medicine Clinic Variant Classification & Assertion Criteria_Updated V.1. Collection method: research. Allele origin: unknown. Inheritance: Somatic mutation.
Comment: Mutations in ABCC8 gene are associated with both neonatal diabetes mellitus as well as MODY. Patients with this mutation may have a better response to sulfonylureas. However, no sufficient evidence is found to ascertain the role of this particular variant (rs748169568) in neonatal diabetes yet.

Clinical Genomics, Uppaluri K&H Personalized Medicine Clinic
Classification: Uncertain significance for Maturity-onset diabetes of the young. Review status: criteria provided, single submitter. Criteria: K & H Uppaluri Personalized Medicine Clinic Variant Classification & Assertion Criteria_Updated V.1. Collection method: research. Allele origin: unknown. Inheritance: Somatic mutation.
Comment: Mutations in ABCC8 gene are associated with both neonatal diabetes mellitus as well as MODY. Patients with this mutation may have a better response to sulfonylureas. However, no sufficient evidence is found to ascertain the role of this particular variant (rs748169568) in MODY yet.

Literature cited by the submitters: PubMed 16885549 (cited by Clinical Genomics, Uppaluri K&H Personalized Medicine Clinic); PubMed 21989597 (cited by Clinical Genomics, Uppaluri K&H Personalized Medicine Clinic); PubMed 27538677 (cited by Clinical Genomics, Uppaluri K&H Personalized Medicine Clinic); PubMed 18981553 (cited by Clinical Genomics, Uppaluri K&H Personalized Medicine Clinic); PubMed 32027066 (cited by Clinical Genomics, Uppaluri K&H Personalized Medicine Clinic); PubMed 16613899 (cited by Clinical Genomics, Uppaluri K&H Personalized Medicine Clinic); PubMed 18025408 (cited by Clinical Genomics, Uppaluri K&H Personalized Medicine Clinic); PubMed 32792356 (cited by Clinical Genomics, Uppaluri K&H Personalized Medicine Clinic).